The following is an entry in ClinVar:

ClinVar aggregate classification (germline): Uncertain significance (1 of 4 stars; one submission).

Conditions:
Hereditary cancer-predisposing syndrome. Also called: Tumor predisposition; Neoplastic Syndromes, Hereditary; Hereditary neoplastic syndrome; Hereditary Cancer Syndrome. Identifiers: Orphanet 140162, MedGen C0027672, MeSH D009386, MONDO:0015356.

Submission:

Ambry Genetics
Classification: Uncertain significance for Hereditary cancer-predisposing syndrome. Last evaluated: 2025-07-17. Review status: criteria provided, single submitter. Criteria: Ambry Variant Classification Scheme 2023. Collection method: clinical testing. Allele origin: germline.
Comment: The p.S221T variant (also known as c.662G>C), located in coding exon 7 of the MRE11A gene, results from a G to C substitution at nucleotide position 662. The serine at codon 221 is replaced by threonine, an amino acid with similar properties. This amino acid position is conserved. In addition, the in silico prediction for this alteration is inconclusive. Based on the available evidence, the clinical significance of this variant remains unclear.

NM_005591.4(MRE11):c.662G>C (p.Ser221Thr)

Gene: MRE11 (MRE11 double strand break repair nuclease; minus strand). Cytogenetic location: 11q21.
Variant type: single nucleotide variant.
Coding change: c.662G>C on transcript NM_005591.4 (MANE Select); coding-DNA position 662, G replaced by C.
Protein change: p.Ser221Thr; replaces serine 221 with threonine.
Molecular consequence: missense variant.
Genome position (GRCh38, 1-based): chr11:94,471,757, C>G on the plus strand (G>C on the coding strand, the complement: MRE11 is on the minus strand). VCF-style: chr11-94471757-C-G. GRCh37 (hg19) VCF-style: chr11-94204923-C-G.
Other names: c.194G>C, p.Ser65Thr (NM_001440485.1, NM_001440486.1, NM_001440487.1); c.662G>C, p.Ser221Thr (NM_005590.4, NM_001440466.1, NM_001440467.1 and 18 more transcripts); c.587G>C, p.Ser196Thr (NM_001440471.1, NM_001440472.1, NM_001440479.1); c.317G>C, p.Ser106Thr (NM_001440482.1, NM_001440483.1, NM_001440484.1); short protein forms S196T, S106T, S221T, S65T.
Identifiers: ClinVar variation 4110087 (VCV004110087.1).